The following is an entry in ClinVar:

NM_001162383.2(ARHGEF2):c.415C>T (p.Arg139Cys)

Gene: ARHGEF2 (Rho/Rac guanine nucleotide exchange factor 2; minus strand). Cytogenetic location: 1q22.
Variant type: single nucleotide variant.
Coding change: c.415C>T on transcript NM_001162383.2 (MANE Select); coding-DNA position 415, C replaced by T.
Protein change: p.Arg139Cys; replaces arginine 139 with cysteine.
Molecular consequence: missense variant.
Genome position (GRCh38, 1-based): chr1:155,965,686, G>A on the plus strand (C>T on the coding strand, the complement: ARHGEF2 is on the minus strand). VCF-style: chr1-155965686-G-A. GRCh37 (hg19) VCF-style: chr1-155935477-G-A.
Other names: c.415C>T, p.Arg139Cys (NM_001162384.2); c.334C>T, p.Arg112Cys (NM_001350110.2, NM_001350111.2, NM_004723.4); c.364C>T, p.Arg122Cys (NM_001350112.2); c.334C>T (NM_004723.3); short protein forms R122C, R139C, R112C.
Identifiers: ClinVar variation 2359929 (VCV002359929.4), dbSNP rs200151559, ClinGen allele CA1153519.

ClinVar aggregate classification (germline): Uncertain significance. Review status: criteria provided, multiple submitters, no conflicts (2 of 4 stars). 2 submissions from 2 submitters: Uncertain significance (2). Last evaluated 2025-11-06.

Conditions:
ARHGEF2-related disorder. Also called: ARHGEF2-related condition.

Allele frequency attached by ClinVar (database versions not stated): ExAC 0.00015; gnomAD 0.00016; TOPMed 0.00017; gnomAD exomes 0.00018; ESP Exome Variant Server 0.00031.
gnomAD v4.1: 298 of 1,609,708 alleles (0.019%); highest among the groups gnomAD compares: Non-Finnish European, 0.023%; no homozygotes.

Submissions (2):

PreventionGenetics, part of Exact Sciences
Classification: Uncertain significance for ARHGEF2-related condition. Last evaluated: 2025-11-06. Review status: criteria provided, single submitter. Criteria: ACMG Guidelines, 2015. Collection method: clinical testing. Allele origin: germline.
Comment: The ARHGEF2 c.334C>T variant is predicted to result in the amino acid substitution p.Arg112Cys. To our knowledge, this variant has not been reported in the literature. This variant is reported in 0.019% of alleles in individuals of European (Non-Finnish) descent in gnomAD. At this time, the clinical significance of this variant is uncertain due to the absence of conclusive functional and genetic evidence.

Ambry Genetics
Classification: Uncertain significance. Last evaluated: 2024-04-09. Review status: criteria provided, single submitter. Criteria: Ambry Variant Classification Scheme 2023. Collection method: clinical testing. Allele origin: germline.